The following is an entry in ClinVar:

NM_015175.3(NBEAL2):c.4669C>G (p.Leu1557Val)

Gene: NBEAL2 (neurobeachin like 2; plus strand). Cytogenetic location: 3p21.31.
Variant type: single nucleotide variant.
Coding change: c.4669C>G on transcript NM_015175.3 (MANE Select); coding-DNA position 4669, C replaced by G.
Protein change: p.Leu1557Val; replaces leucine 1557 with valine.
Molecular consequence: missense variant.
Genome position (GRCh38, 1-based): chr3:47,001,713, C>G. VCF-style: chr3-47001713-C-G. GRCh37 (hg19) VCF-style: chr3-47043203-C-G.
Other names: c.4567C>G, p.Leu1523Val (NM_001365116.2); short protein forms L1557V, L1523V.
Identifiers: ClinVar variation 345667 (VCV000345667.9), dbSNP rs534419583, ClinGen allele CA2361316.

ClinVar aggregate classification (germline): Conflicting classifications of pathogenicity. Review status: criteria provided, conflicting classifications (1 of 4 stars). 4 submissions from 4 submitters: Uncertain significance (1); Benign (1); Likely benign (1). 1 of the submissions does not count toward it. Last evaluated 2025-12-17.

Conditions:
NBEAL2-related disorder. Also called: NBEAL2-related condition.
Gray platelet syndrome (GPS). Also called: BLEEDING DISORDER, PLATELET-TYPE, 4. Identifiers: Orphanet 721, MedGen C0272302, MONDO:0007686, OMIM 139090.

Allele frequency attached by ClinVar (database versions not stated): gnomAD 0.00007 and 0.00018; TOPMed 0.00015; gnomAD exomes 0.00026 and 0.00052; ExAC 0.00068; 1000 Genomes Project 30x 0.00094; 1000 Genomes Project 0.00100.

Submissions (4):

Labcorp Genetics (formerly Invitae), Labcorp
Classification: Benign. Last evaluated: 2025-12-17. Review status: criteria provided, single submitter. Criteria: Invitae Variant Classification Sherloc (09022015). Collection method: clinical testing. Allele origin: germline.

Blueprint Genetics
Classification: Uncertain significance. Last evaluated: 2024-09-24. Review status: criteria provided, single submitter. Criteria: ACMG Guidelines, 2015. Collection method: clinical testing. Allele origin: germline.

Illumina Laboratory Services, Illumina
Classification: Likely benign for Gray platelet syndrome. Last evaluated: 2018-01-13. Review status: criteria provided, single submitter. Criteria: ICSL Variant Classification Criteria 13 December 2019. Collection method: clinical testing. Allele origin: germline.
Comment: This variant was observed in the ICSL laboratory as part of a predisposition screen in an ostensibly healthy population. It had not been previously curated by ICSL or reported in the Human Gene Mutation Database (HGMD: prior to June 1st, 2018), and was therefore a candidate for classification through an automated scoring system. Utilizing variant allele frequency, disease prevalence and penetrance estimates, and inheritance mode, an automated score was calculated to assess if this variant is too frequent to cause the disease. Based on the score and internal cut-off values, a variant classified as likely benign is not then subjected to further curation. The score for this variant resulted in a classification of likely benign for this disease.

PreventionGenetics, part of Exact Sciences
Classification: Likely benign for NBEAL2-related condition. Last evaluated: 2022-12-10. Review status: no assertion criteria provided. Collection method: clinical testing. Allele origin: germline. Not counted in ClinVar's aggregate classification.
Comment: This variant is classified as likely benign based on ACMG/AMP sequence variant interpretation guidelines (Richards et al. 2015 PMID: 25741868, with internal and published modifications).